The following is an entry in ClinVar:

ClinVar aggregate classification (germline): Uncertain significance (1 of 4 stars; one submission).

Conditions:
Inborn genetic diseases. Identifiers: MedGen C0950123, MeSH D030342.

Submission:

Ambry Genetics
Classification: Uncertain significance for Inborn genetic diseases. Last evaluated: 2025-03-30. Review status: criteria provided, single submitter. Criteria: Ambry Variant Classification Scheme 2023. Collection method: clinical testing. Allele origin: germline.
Comment: The p.V788L variant (also known as c.2362G>C), located in coding exon 12 of the BMPR2 gene, results from a G to C substitution at nucleotide position 2362. The valine at codon 788 is replaced by leucine, an amino acid with highly similar properties. This amino acid position is conserved. In addition, the in silico prediction for this alteration is inconclusive. Based on the available evidence, the clinical significance of this variant remains unclear.

NM_001204.7(BMPR2):c.2362G>C (p.Val788Leu)

Gene: BMPR2 (bone morphogenetic protein receptor type 2; plus strand). Cytogenetic location: 2q33.2.
Variant type: single nucleotide variant.
Coding change: c.2362G>C on transcript NM_001204.7 (MANE Select); coding-DNA position 2362, G replaced by C.
Protein change: p.Val788Leu; replaces valine 788 with leucine.
Molecular consequence: missense variant.
Genome position (GRCh38, 1-based): chr2:202,556,027, G>C. VCF-style: chr2-202556027-G-C. GRCh37 (hg19) VCF-style: chr2-203420750-G-C.
Other names: short protein forms V788L.
Identifiers: ClinVar variation 3992080 (VCV003992080.1).